The following is an entry in ClinVar:

ClinVar aggregate classification (germline): Conflicting classifications of pathogenicity. Review status: criteria provided, conflicting classifications (1 of 4 stars). 9 submissions from 9 submitters: Uncertain significance (8); Likely benign (1). Last evaluated 2026-01-20.

Conditions:
Polymerase proofreading-related adenomatous polyposis. Also called: Polymerase proofreading associated polyposis; Polymerase proofreading–associated polyposis (PPAP). Identifiers: Orphanet 447877, MedGen C5202613, MONDO:0018653.
Hereditary cancer-predisposing syndrome. Also called: Hereditary Cancer Syndrome; Tumor predisposition; Hereditary neoplastic syndrome; Neoplastic Syndromes, Hereditary. Identifiers: Orphanet 140162, MedGen C0027672, MeSH D009386, MONDO:0015356.

Allele frequency attached by ClinVar (database versions not stated): gnomAD 0.00002; ExAC 0.00003; gnomAD exomes 0.00003 and 0.00004; TOPMed 0.00003; ESP Exome Variant Server 0.00008.
gnomAD v4.1: 41 of 1,613,570 alleles (0.0025%); highest among the groups gnomAD compares: Admixed American, 0.018%; no homozygotes.

Submissions (9):

Labcorp Genetics (formerly Invitae), Labcorp
Classification: Uncertain significance. Last evaluated: 2026-01-20. Review status: criteria provided, single submitter. Criteria: Invitae Variant Classification Sherloc (09022015). Collection method: clinical testing. Allele origin: germline.
Comment: This sequence change replaces aspartic acid, which is acidic and polar, with asparagine, which is neutral and polar, at codon 185 of the POLE protein (p.Asp185Asn). This variant is present in population databases (rs369506007, gnomAD 0.02%). This variant has not been reported in the literature in individuals affected with POLE-related conditions. ClinVar contains an entry for this variant (Variation ID: 240565). Invitae Evidence Modeling of protein sequence and biophysical properties (such as structural, functional, and spatial information, amino acid conservation, physicochemical variation, residue mobility, and thermodynamic stability) indicates that this missense variant is not expected to disrupt POLE protein function with a negative predictive value of 80%. In summary, the available evidence is currently insufficient to determine the role of this variant in disease. Therefore, it has been classified as a Variant of Uncertain Significance.

Center for Genomic Medicine, Rigshospitalet, Copenhagen University Hospital
Classification: Uncertain significance. Last evaluated: 2025-03-04. Review status: criteria provided, single submitter. Criteria: ACMG Guidelines, 2015. Collection method: clinical testing. Allele origin: germline.

GeneDx
Classification: Uncertain significance. Last evaluated: 2024-11-14. Review status: criteria provided, single submitter. Criteria: GeneDx Variant Classification Process June 2021. Collection method: clinical testing. Allele origin: germline. Affected: yes.
Comment: In silico analysis indicates that this missense variant does not alter protein structure/function; Has not been previously published as pathogenic or benign to our knowledge

Ambry Genetics
Classification: Likely benign for Hereditary cancer-predisposing syndrome. Last evaluated: 2024-10-17. Review status: criteria provided, single submitter. Criteria: Ambry Variant Classification Scheme 2023. Collection method: clinical testing. Allele origin: germline.

Blueprint Genetics
Classification: Uncertain significance. Last evaluated: 2024-09-04. Review status: criteria provided, single submitter. Criteria: ACMG Guidelines, 2015. Collection method: clinical testing. Allele origin: germline.

Department of Pathology and Laboratory Medicine, Sinai Health System
Classification: Uncertain significance for Polymerase proofreading-related adenomatous polyposis. Last evaluated: 2022-02-16. Review status: criteria provided, single submitter. Criteria: ACMG Guidelines, 2015. Collection method: clinical testing. Allele origin: germline. Affected: yes.

Sema4
Classification: Uncertain significance for Hereditary cancer-predisposing syndrome. Last evaluated: 2021-04-03. Review status: criteria provided, single submitter. Criteria: Sema4 Curation Guidelines. Collection method: curation. Allele origin: germline.
Comment: The POLE c.553G>A (p.D185N) variant has not been reported in the literature to our knowledge. It was observed in 9/34582 chromosomes of the Latino subpopulation in the large and broad cohorts of the Genome Aggregation Database. This variant involves a moderately conserved amino acid, and computational analyses do not provide strong support for or against an impact to the protein, though these predictions have not been confirmed by functional studies. The variant has been reported in ClinVar (Variation ID: 240565). The overall evidence is insufficient to meet ACMG/AMP criteria for classifying it as benign or pathogenic. In summary, the clinical significance of this variant is currently uncertain.

Quest Diagnostics Nichols Institute San Juan Capistrano
Classification: Uncertain significance. Last evaluated: 2018-07-19. Review status: criteria provided, single submitter. Criteria: Quest Diagnostics criteria. Collection method: clinical testing. Allele origin: germline.

PreventionGenetics, part of Exact Sciences
Classification: Uncertain significance. Last evaluated: 2017-08-11. Review status: criteria provided, single submitter. Criteria: ACMG Guidelines, 2015. Collection method: clinical testing. Allele origin: germline.

NM_006231.4(POLE):c.553G>A (p.Asp185Asn)

Gene: POLE (DNA polymerase epsilon, catalytic subunit; minus strand). Cytogenetic location: 12q24.33.
Variant type: single nucleotide variant.
Coding change: c.553G>A on transcript NM_006231.4 (MANE Select); coding-DNA position 553, G replaced by A.
Protein change: p.Asp185Asn; replaces aspartic acid 185 with asparagine.
Molecular consequence: missense variant.
Genome position (GRCh38, 1-based): chr12:132,679,522, C>T on the plus strand (G>A on the coding strand, the complement: POLE is on the minus strand). VCF-style: chr12-132679522-C-T. GRCh37 (hg19) VCF-style: chr12-133256108-C-T.
Other names: short protein forms D185N.
Identifiers: ClinVar variation 240565 (VCV000240565.28), dbSNP rs369506007, ClinGen allele CA6894292.